The following is an entry in ClinVar:

NM_018063.5(HELLS):c.1781T>G (p.Leu594Trp)

Gene: HELLS (helicase, lymphoid specific; plus strand). Cytogenetic location: 10q23.33.
Variant type: single nucleotide variant.
Coding change: c.1781T>G on transcript NM_018063.5 (MANE Select); coding-DNA position 1781, T replaced by G.
Protein change: p.Leu594Trp; replaces leucine 594 with tryptophan.
Molecular consequence: missense variant.
Genome position (GRCh38, 1-based): chr10:94,592,242, T>G. VCF-style: chr10-94592242-T-G. GRCh37 (hg19) VCF-style: chr10-96351999-T-G.
Other names: c.1919T>G, p.Leu640Trp (NM_001289067.2); c.1733T>G, p.Leu578Trp (NM_001289068.2); c.1685T>G, p.Leu562Trp (NM_001289069.2); c.1487T>G, p.Leu496Trp (NM_001289070.2); c.1409T>G, p.Leu470Trp (NM_001289071.2); c.1391T>G, p.Leu464Trp (NM_001289072.2); c.1367T>G, p.Leu456Trp (NM_001289073.2); c.698T>G, p.Leu233Trp (NM_001289074.2); and 1 more; short protein forms L188W, L464W, L470W, L578W, L594W, L640W, L233W, L456W.
Identifiers: ClinVar variation 1357757 (VCV001357757.8), dbSNP rs2134112481, ClinGen allele CA377666932.

ClinVar aggregate classification (germline): Uncertain significance (1 of 4 stars; one submission).

Submission:

Labcorp Genetics (formerly Invitae), Labcorp
Classification: Uncertain significance. Last evaluated: 2022-06-03. Review status: criteria provided, single submitter. Criteria: Invitae Variant Classification Sherloc (09022015). Collection method: clinical testing. Allele origin: germline.
Comment: In summary, the available evidence is currently insufficient to determine the role of this variant in disease. Therefore, it has been classified as a Variant of Uncertain Significance. Algorithms developed to predict the effect of missense changes on protein structure and function (SIFT, PolyPhen-2, Align-GVGD) all suggest that this variant is likely to be disruptive. ClinVar contains an entry for this variant (Variation ID: 1357757). This variant has not been reported in the literature in individuals affected with HELLS-related conditions. This variant is not present in population databases (gnomAD no frequency). This sequence change replaces leucine, which is neutral and non-polar, with tryptophan, which is neutral and slightly polar, at codon 594 of the HELLS protein (p.Leu594Trp).